The following is an entry in ClinVar:

NM_018706.7(DHTKD1):c.1340T>A (p.Ile447Asn)

Gene: DHTKD1 (dehydrogenase E1 and transketolase domain containing 1; plus strand). Cytogenetic location: 10p14.
Variant type: single nucleotide variant.
Coding change: c.1340T>A on transcript NM_018706.7 (MANE Select); coding-DNA position 1340, T replaced by A.
Protein change: p.Ile447Asn; replaces isoleucine 447 with asparagine.
Molecular consequence: missense variant.
Genome position (GRCh38, 1-based): chr10:12,094,253, T>A. VCF-style: chr10-12094253-T-A. GRCh37 (hg19) VCF-style: chr10-12136252-T-A.
Other names: short protein forms I447N.
Identifiers: ClinVar variation 4708422 (VCV004708422.1).
Genomic context (GRCh38, chr10:12,094,253, plus strand): 5'-TGTTGTGCTACAGGCAGTGGGGCCACAATGAGCTGGATGAGCCATTCTACACCAACCCCA[T>A]CATGTACAAAATCATCAGGTACAATTATAAACCCTTGTGTGATATGCCCCCTAAAAATTA-3'
Protein context (NP_061176.4, residues 437-457): ELDEPFYTNP[Ile447Asn]MYKIIRARKS

ClinVar aggregate classification (germline): Uncertain significance (1 of 4 stars; one submission).

Conditions:
2-aminoadipic 2-oxoadipic aciduria (AAKAD). Also called: ALPHA-AMINOADIPIC AND ALPHA-KETOADIPIC ACIDURIA; Aminoadipic aciduria. Identifiers: Orphanet 79154, MedGen C1859817, MONDO:0008774, OMIM 204750.

gnomAD v4.1: 1 of 1,614,112 alleles (0.000062%); highest among the groups gnomAD compares: African/African-American, 0.0013%; no homozygotes.

Submission:

Labcorp Genetics (formerly Invitae), Labcorp
Classification: Uncertain significance for 2-aminoadipic 2-oxoadipic aciduria. Last evaluated: 2025-09-28. Review status: criteria provided, single submitter. Criteria: Invitae Variant Classification Sherloc (09022015). Collection method: clinical testing. Allele origin: germline.
Comment: This sequence change replaces isoleucine, which is neutral and non-polar, with asparagine, which is neutral and polar, at codon 447 of the DHTKD1 protein (p.Ile447Asn). This variant is not present in population databases (gnomAD no frequency). This variant has not been reported in the literature in individuals affected with DHTKD1-related conditions. Invitae Evidence Modeling of protein sequence and biophysical properties (such as structural, functional, and spatial information, amino acid conservation, physicochemical variation, residue mobility, and thermodynamic stability) indicates that this missense variant is not expected to disrupt DHTKD1 protein function with a negative predictive value of 80%. In summary, the available evidence is currently insufficient to determine the role of this variant in disease. Therefore, it has been classified as a Variant of Uncertain Significance.